The following is an entry in ClinVar:

ClinVar aggregate classification (germline): Uncertain significance (1 of 4 stars; one submission).

Conditions:
Hyperkalemic periodic paralysis. Also called: Familial hyperkalemic periodic paralysis; Gamstorp disease. Identifiers: Orphanet 682, MedGen C0238357, MONDO:0008224, OMIM 170500, HP:0007215.

Allele frequency attached by ClinVar (database versions not stated): gnomAD exomes 0.00001.

Submission:

Labcorp Genetics (formerly Invitae), Labcorp
Classification: Uncertain significance for Hyperkalemic periodic paralysis. Last evaluated: 2021-06-24. Review status: criteria provided, single submitter. Criteria: Invitae Variant Classification Sherloc (09022015). Collection method: clinical testing. Allele origin: germline.
Comment: This sequence change replaces alanine with threonine at codon 927 of the SCN4A protein (p.Ala927Thr). The alanine residue is highly conserved and there is a small physicochemical difference between alanine and threonine. This variant is not present in population databases (ExAC no frequency). This variant has not been reported in the literature in individuals with SCN4A-related conditions. Algorithms developed to predict the effect of missense changes on protein structure and function (SIFT, PolyPhen-2, Align-GVGD) all suggest that this variant is likely to be disruptive, but these predictions have not been confirmed by published functional studies and their clinical significance is uncertain. In summary, the available evidence is currently insufficient to determine the role of this variant in disease. Therefore, it has been classified as a Variant of Uncertain Significance.

NM_000334.4(SCN4A):c.2779G>A (p.Ala927Thr)

Genes: GH-LCR (growth hormone locus control region; plus strand), SCN4A (sodium voltage-gated channel alpha subunit 4; minus strand). Cytogenetic location: 17q23.3.
Variant type: single nucleotide variant.
Coding change: c.2779G>A on transcript NM_000334.4 (MANE Select); coding-DNA position 2779, G replaced by A.
Protein change: p.Ala927Thr; replaces alanine 927 with threonine.
Molecular consequence: missense variant.
Genome position (GRCh38, 1-based): chr17:63,951,498, C>T on the plus strand (G>A on the coding strand, the complement: SCN4A is on the minus strand). VCF-style: chr17-63951498-C-T. GRCh37 (hg19) VCF-style: chr17-62028858-C-T.
Other names: short protein forms A927T.
Identifiers: ClinVar variation 1487860 (VCV001487860.8), dbSNP rs1439097461, ClinGen allele CA400624995.